The following is an entry in ClinVar:

ClinVar aggregate classification (germline): Likely pathogenic (1 of 4 stars; one submission).

Conditions:
Myopathy due to calsequestrin and SERCA1 protein overload. Also called: Myopathy, vacuolar, with casq1 aggregates. Identifiers: Orphanet 88635, MedGen C4015624, MONDO:0014546, OMIM 616231.

gnomAD v4.1: 1 of 1,567,812 alleles (0.000064%); highest among the groups gnomAD compares: Admixed American, 0.0017%; no homozygotes.

Submission:

Diagnostics Services (NGS), CSIR - Centre For Cellular And Molecular Biology
Classification: Likely pathogenic for Myopathy due to calsequestrin and SERCA1 protein overload. Last evaluated: 2024-01-23. Review status: criteria provided, single submitter. Criteria: ACMG Guidelines, 2015. Collection method: clinical testing. Allele origin: unknown. Affected: yes. Observed: 1 variant allele, 1 heterozygote.
Comment: The c.984+1G>A variant is not present in 1000 Genomes, EVS, ExAC, gnomAD, Indian Exome Database or our in-house exome database. This variant has neither been published in literature with CASQ1-related conditions nor reported to ClinVar, HGMD or OMIM databases in any affected individuals. Algorithms developed to predict the effect of sequence changes on RNA splicing suggest that this variant can disrupt the consensus splice site. In-silico pathogenicity prediction programs like MutationTaster2, CADD, Varsome, Franklin etc predicted this variant to be likely deleterious however these predictions were not confirmed by published functional/translational studies.

NM_001231.5(CASQ1):c.984+1G>A

Gene: CASQ1 (calsequestrin 1; plus strand). Cytogenetic location: 1q23.2.
Variant type: single nucleotide variant.
Coding change: c.984+1G>A on transcript NM_001231.5 (MANE Select); the canonical splice donor site of the intron after coding-DNA position 984, G replaced by A.
Molecular consequence: splice donor variant.
Genome position (GRCh38, 1-based): chr1:160,199,054, G>A. VCF-style: chr1-160199054-G-A. GRCh37 (hg19) VCF-style: chr1-160168844-G-A.
Identifiers: ClinVar variation 2687779 (VCV002687779.1), dbSNP rs1422979746, ClinGen allele CA343262196.